The following is an entry in ClinVar:

ClinVar aggregate classification (germline): Likely pathogenic (1 of 4 stars; one submission).

Conditions:
Late-infantile neuronal ceroid lipofuscinosis. Also called: Jansky-Bielschowsky disease. Identifiers: MedGen C0022340, MONDO:0015674.

Submission:

Natera, Inc.
Classification: Likely pathogenic for Late-infantile neuronal ceroid lipofuscinosis. Last evaluated: 2025-10-02. Review status: criteria provided, single submitter. Criteria: Natera Variant Classification Schema (03/2026). Collection method: clinical testing. Allele origin: germline.
Comment: The c.7_10del variant in MFSD8 is a frameshift variant predicted to shift the reading frame beginning at codon 3 and leads to a stop codon 11 codons downstream. This variant is expected to result in nonsense mediated decay, truncation, or a dysfunctional protein product. This variant is rare in the general population with a frequency below the threshold expected for the associated phenotype(s). Given the available evidence, this variant is classified as Likely Pathogenic.

NM_001371596.2(MFSD8):c.7_10del (p.Gly3fs)

Gene: MFSD8 (major facilitator superfamily domain containing 8; minus strand). Cytogenetic location: 4q28.2.
Variant type: Microsatellite.
Coding change: c.7_10del on transcript NM_001371596.2 (MANE Select); coding-DNA positions 7 to 10, 4 bases deleted (GGCC; older notation c.7_10delGGCC).
Protein change: p.Gly3fs; shifts the reading frame from glycine 3.
Molecular consequence: frameshift variant, initiator codon variant. On other transcripts: 5 prime UTR variant (1), intron variant (2).
Genome position (GRCh38, 1-based): chr4:127,965,124-127,965,127, GGCC deleted on the plus strand (GGCC on the coding strand, the reverse complement: MFSD8 is on the minus strand); deleting any 4 consecutive bases within chr4:127,965,124-127,965,131 gives the same sequence; the c. name uses the placement nearest the transcript's 3' end. VCF-style (leftmost placement, unchanged base first): chr4-127965123-AGGCC-A. GRCh37 (hg19) VCF-style: chr4-128886278-AGGCC-A.
Other names: c.7_10del, p.Gly3fs (NM_001363520.3, NM_001363521.3, NM_001371591.2 and 6 more transcripts); c.-131GGCC[1] (NM_001371595.1); c.-74+770_-74+773del (NM_001410765.1, NM_001371590.2); short protein forms G3fs.
Identifiers: ClinVar variation 4816895 (VCV004816895.1).